The following is an entry in ClinVar:

ClinVar aggregate classification (germline): Benign. Review status: criteria provided, multiple submitters, no conflicts (2 of 4 stars). 3 submissions from 3 submitters: Benign (3). Last evaluated 2024-07-15.

Allele frequency attached by ClinVar (database versions not stated): ESP Exome Variant Server 0.41266; gnomAD 0.42756 and 0.43814; TOPMed 0.43230; 1000 Genomes Project 30x 0.45768; 1000 Genomes Project 0.46326; ExAC 0.53630; gnomAD exomes 0.54515 and 0.54618.
gnomAD v4.1: 863,179 of 1,611,766 alleles (54%); highest among the groups gnomAD compares: Admixed American, 67%; 238,895 homozygotes.

Submissions (3):

Unidad de Genómica Garrahan, Hospital de Pediatría Garrahan
Classification: Benign. Last evaluated: 2024-07-15. Review status: criteria provided, single submitter. Criteria: ACMG Guidelines, 2015. Collection method: clinical testing. Allele origin: germline. Affected: no. Observed: 82 variant alleles.
Comment: This variant is classified as Benign based on local population frequency. This variant was detected in 88% of patients studied in a panel designed for Epileptic and Developmental Encephalopathy and Progressive Myoclonus Epilepsy. Number of patients: 82. Only high quality variants are reported.

GeneDx
Classification: Benign. Last evaluated: 2018-06-14. Review status: criteria provided, single submitter. Criteria: GeneDx Variant Classification (06012015). Collection method: clinical testing. Allele origin: germline. Affected: yes.
Comment: This variant is considered likely benign or benign based on one or more of the following criteria: it is a conservative change, it occurs at a poorly conserved position in the protein, it is predicted to be benign by multiple in silico algorithms, and/or has population frequency not consistent with disease.

Breakthrough Genomics
Classification: Benign. Review status: criteria provided, single submitter. Criteria: ACMG Guidelines, 2015. Collection method: not provided. Allele origin: germline. Inheritance: Autosomal dominant inheritance. Affected: yes.

NM_004408.4(DNM1):c.689-44C>T

Gene: DNM1 (dynamin 1; plus strand). Cytogenetic location: 9q34.11.
Variant type: single nucleotide variant.
Coding change: c.689-44C>T on transcript NM_004408.4 (MANE Select); 44 bases into the intron before coding-DNA position 689, C replaced by T.
Molecular consequence: intron variant.
Genome position (GRCh38, 1-based): chr9:128,220,137, C>T. VCF-style: chr9-128220137-C-T. GRCh37 (hg19) VCF-style: chr9-130982416-C-T.
Other names: c.689-44C>T (NM_001005336.3, NM_001288738.2, NM_001288737.2 and 1 more transcripts).
Identifiers: ClinVar variation 679300 (VCV000679300.4), dbSNP rs3003606, ClinGen allele CA5257867.